The following is an entry in ClinVar:

NM_000642.3(AGL):c.1172A>G (p.Tyr391Cys)

Gene: AGL (amylo-alpha-1,6-glucosidase and 4-alpha-glucanotransferase; plus strand). Cytogenetic location: 1p21.2.
Variant type: single nucleotide variant.
Coding change: c.1172A>G on transcript NM_000642.3 (MANE Select); coding-DNA position 1172, A replaced by G.
Protein change: p.Tyr391Cys; replaces tyrosine 391 with cysteine.
Molecular consequence: missense variant.
Genome position (GRCh38, 1-based): chr1:99,875,243, A>G. VCF-style: chr1-99875243-A-G. GRCh37 (hg19) VCF-style: chr1-100340799-A-G.
Other names: c.1172A>G, p.Tyr391Cys (NM_000028.3, NM_000643.3, NM_000644.3 and 2 more transcripts); c.1124A>G, p.Tyr375Cys (NM_000646.3); c.968A>G, p.Tyr323Cys (NM_001425328.1, NM_001425329.1); c.794A>G, p.Tyr265Cys (NM_001425332.1); short protein forms Y375C, Y391C, Y265C, Y323C.
Identifiers: ClinVar variation 966513 (VCV000966513.9), dbSNP rs775949246, ClinGen allele CA966403.

ClinVar aggregate classification (germline): Uncertain significance. Review status: criteria provided, multiple submitters, no conflicts (2 of 4 stars). 4 submissions from 4 submitters: Uncertain significance (3). 1 of the submissions does not count toward it. Last evaluated 2023-04-11.

Conditions:
Inborn genetic diseases. Identifiers: MedGen C0950123, MeSH D030342.
Glycogen storage disease type III (GSD3). Also called: FORBES DISEASE; Cori disease. Identifiers: Orphanet 366, MedGen C0017922, MONDO:0009291, OMIM 232400.

Allele frequency attached by ClinVar (database versions not stated): gnomAD 0.00001; gnomAD exomes 0.00001 and 0.00005; ExAC 0.00002; TOPMed 0.00003.
gnomAD v4.1: 76 of 1,613,860 alleles (0.0047%); highest among the groups gnomAD compares: Non-Finnish European, 0.0056%; no homozygotes.

Submissions (4):

Genome-Nilou Lab
Classification: Uncertain significance for Glycogen storage disease type III. Last evaluated: 2023-04-11. Review status: criteria provided, single submitter. Criteria: ACMG Guidelines, 2015. Collection method: clinical testing. Allele origin: germline. Affected: no.

Labcorp Genetics (formerly Invitae), Labcorp
Classification: Uncertain significance for Glycogen storage disease type III. Last evaluated: 2022-10-24. Review status: criteria provided, single submitter. Criteria: Invitae Variant Classification Sherloc (09022015). Collection method: clinical testing. Allele origin: germline.
Comment: This sequence change replaces tyrosine, which is neutral and polar, with cysteine, which is neutral and slightly polar, at codon 391 of the AGL protein (p.Tyr391Cys). This variant is present in population databases (rs775949246, gnomAD 0.002%). This variant has not been reported in the literature in individuals affected with AGL-related conditions. ClinVar contains an entry for this variant (Variation ID: 966513). Advanced modeling of protein sequence and biophysical properties (such as structural, functional, and spatial information, amino acid conservation, physicochemical variation, residue mobility, and thermodynamic stability) performed at Invitae indicates that this missense variant is not expected to disrupt AGL protein function. In summary, the available evidence is currently insufficient to determine the role of this variant in disease. Therefore, it has been classified as a Variant of Uncertain Significance.

Ambry Genetics
Classification: Uncertain significance for Inborn genetic diseases. Last evaluated: 2021-07-14. Review status: criteria provided, single submitter. Criteria: Ambry Variant Classification Scheme 2023. Collection method: clinical testing. Allele origin: germline.

Natera, Inc.
Classification: Uncertain significance for Glycogen storage disease type III. Last evaluated: 2020-09-12. Review status: no assertion criteria provided. Collection method: clinical testing. Allele origin: germline. Not counted in ClinVar's aggregate classification.